The following is an entry in ClinVar:

NM_006361.6(HOXB13):c.553C>T (p.Gln185Ter)

Gene: HOXB13 (homeobox B13; minus strand). Cytogenetic location: 17q21.32.
Variant type: single nucleotide variant.
Coding change: c.553C>T on transcript NM_006361.6 (MANE Select); coding-DNA position 553, C replaced by T.
Protein change: p.Gln185Ter; replaces glutamine 185 with a stop codon.
Molecular consequence: nonsense.
Genome position (GRCh38, 1-based): chr17:48,728,041, G>A on the plus strand (C>T on the coding strand, the complement: HOXB13 is on the minus strand). VCF-style: chr17-48728041-G-A. GRCh37 (hg19) VCF-style: chr17-46805403-G-A.
Other names: short protein forms Q185*.
Identifiers: ClinVar variation 1937314 (VCV001937314.7), dbSNP rs1481764090, ClinGen allele CA400107200.

ClinVar aggregate classification (germline): Uncertain significance. Review status: criteria provided, multiple submitters, no conflicts (2 of 4 stars). 2 submissions from 2 submitters: Uncertain significance (2). Last evaluated 2026-07-30.

Conditions:
Hereditary cancer-predisposing syndrome. Also called: Hereditary neoplastic syndrome; Neoplastic Syndromes, Hereditary; Tumor predisposition; Hereditary Cancer Syndrome. Identifiers: Orphanet 140162, MedGen C0027672, MeSH D009386, MONDO:0015356.

Allele frequency attached by ClinVar (database versions not stated): gnomAD 0.00001.
gnomAD v4.1: 2 of 1,614,074 alleles (0.00012%); highest among the groups gnomAD compares: Non-Finnish European, 0.00017%; no homozygotes.

Submissions (2):

Ambry Genetics
Classification: Uncertain significance for Hereditary cancer-predisposing syndrome. Last evaluated: 2026-07-30. Review status: criteria provided, single submitter. Criteria: Ambry Variant Classification Scheme 2023. Collection method: clinical testing. Allele origin: germline.
Comment: The p.Q185* variant (also known as c.553C>T), located in coding exon 1 of the HOXB13 gene, results from a C to T substitution at nucleotide position 553. This changes the amino acid from a glutamine to a stop codon within coding exon 1. This variant occurs at the 3' terminus of the gene and is not expected to trigger nonsense-mediated mRNA decay. Based on the available evidence, the clinical significance of this variant remains unclear..

Labcorp Genetics (formerly Invitae), Labcorp
Classification: Uncertain significance. Last evaluated: 2025-07-29. Review status: criteria provided, single submitter. Criteria: Invitae Variant Classification Sherloc (09022015). Collection method: clinical testing. Allele origin: germline.
Comment: This sequence change creates a premature translational stop signal (p.Gln185*) in the HOXB13 gene. While this is not anticipated to result in nonsense mediated decay, it is expected to disrupt the last 100 amino acid(s) of the HOXB13 protein. This variant is present in population databases (no rsID available, gnomAD 0.007%). This variant has not been reported in the literature in individuals affected with HOXB13-related conditions. ClinVar contains an entry for this variant (Variation ID: 1937314). Experimental studies and prediction algorithms are not available or were not evaluated, and the functional significance of this variant is currently unknown. In summary, the available evidence is currently insufficient to determine the role of this variant in disease. Therefore, it has been classified as a Variant of Uncertain Significance.